The following is an entry in ClinVar:

NM_002474.3(MYH11):c.2961C>T (p.Ile987=)

Gene: MYH11 (myosin heavy chain 11; minus strand). Cytogenetic location: 16p13.11.
Variant type: single nucleotide variant.
Coding change: c.2961C>T on transcript NM_002474.3 (MANE Select); coding-DNA position 2961, C replaced by T.
Protein change: p.Ile987=; no amino-acid change (isoleucine 987 retained).
Molecular consequence: synonymous variant.
Genome position (GRCh38, 1-based): chr16:15,740,087, G>A on the plus strand (C>T on the coding strand, the complement: MYH11 is on the minus strand). VCF-style: chr16-15740087-G-A. GRCh37 (hg19) VCF-style: chr16-15833944-G-A.
Other names: p.I987I:ATC>ATT; p.Ile994=; c.2982C>T, p.Ile994= (NM_001040113.2, NM_001040114.2); c.2961C>T, p.Ile987= (NM_022844.3).
Identifiers: ClinVar variation 138332 (VCV000138332.33), dbSNP rs137988790, ClinGen allele CA292278.

ClinVar aggregate classification (germline): Benign/Likely benign. Review status: criteria provided, multiple submitters, no conflicts (2 of 4 stars). 9 submissions from 9 submitters: Benign (6); Likely benign (3). Last evaluated 2026-01-25.

Conditions:
Familial thoracic aortic aneurysm and aortic dissection (TAAD). Also called: Thoracic aortic aneurysms and dissections. Identifiers: Orphanet 91387, MedGen C4707243, MONDO:0019625.
Aortic aneurysm, familial thoracic 4 (AAT4). Also called: AORTIC ANEURYSM/AORTIC DISSECTION AND PATENT DUCTUS ARTERIOSUS. Identifiers: MedGen C1851504, MONDO:0007568, OMIM 132900.

Allele frequency attached by ClinVar (database versions not stated): 1000 Genomes Project 0.00080; 1000 Genomes Project 30x 0.00109; gnomAD 0.00142 and 0.00155; ESP Exome Variant Server 0.00154; TOPMed 0.00165.
gnomAD v4.1: 431 of 1,614,188 alleles (0.027%); highest among the groups gnomAD compares: African/African-American, 0.51%; no homozygotes.

Submissions (9):

Labcorp Genetics (formerly Invitae), Labcorp
Classification: Benign for Aortic aneurysm, familial thoracic 4. Last evaluated: 2026-01-25. Review status: criteria provided, single submitter. Criteria: Invitae Variant Classification Sherloc (09022015). Collection method: clinical testing. Allele origin: germline.

Mayo Clinic Laboratories, Mayo Clinic
Classification: Likely benign. Last evaluated: 2025-08-07. Review status: criteria provided, single submitter. Criteria: ACMG Guidelines, 2015. Collection method: clinical testing. Allele origin: germline. Observed: 2 variant alleles.
Comment: BS1, BP4, BP7

All of Us Research Program, National Institutes of Health
Classification: Benign for Familial thoracic aortic aneurysm and aortic dissection. Last evaluated: 2024-02-05. Review status: criteria provided, single submitter. Criteria: ACMG Guidelines, 2015. Collection method: clinical testing. Allele origin: germline. Inheritance: Autosomal dominant inheritance. Observed: 88 variant alleles, 88 heterozygotes.
Comment: This study involves interpretation of variants in research participants for the purpose of population health screening. Participant phenotype was not available at the time of variant classification. Additional details can be found in publication PMID: 35346344, PMCID: PMC8962531

CHEO Genetics Diagnostic Laboratory, Children's Hospital of Eastern Ontario
Classification: Benign for Familial thoracic aortic aneurysm and aortic dissection. Last evaluated: 2021-09-29. Review status: criteria provided, single submitter. Criteria: ACMG Guidelines, 2015. Collection method: clinical testing. Allele origin: germline.

ARUP Laboratories, Molecular Genetics and Genomics, ARUP Laboratories
Classification: Benign. Last evaluated: 2021-01-29. Review status: criteria provided, single submitter. Criteria: ARUP Molecular Germline Variant Investigation Process 2021. Collection method: clinical testing. Allele origin: germline.

Color Diagnostics, LLC DBA Color Health
Classification: Benign for Familial thoracic aortic aneurysm and aortic dissection. Last evaluated: 2018-08-27. Review status: criteria provided, single submitter. Criteria: ACMG Guidelines, 2015. Collection method: clinical testing. Allele origin: germline.

Ambry Genetics
Classification: Likely benign for Familial thoracic aortic aneurysm and aortic dissection. Last evaluated: 2015-07-20. Review status: criteria provided, single submitter. Criteria: Ambry Variant Classification Scheme 2023. Collection method: clinical testing. Allele origin: germline.

GeneDx
Classification: Benign. Last evaluated: 2014-01-18. Review status: criteria provided, single submitter. Criteria: GeneDx Variant Classification (06012015). Collection method: clinical testing. Allele origin: germline. Affected: yes.
Comment: This variant is considered likely benign or benign based on one or more of the following criteria: it is a conservative change, it occurs at a poorly conserved position in the protein, it is predicted to be benign by multiple in silico algorithms, and/or has population frequency not consistent with disease.

PreventionGenetics, part of Exact Sciences
Classification: Likely benign. Review status: criteria provided, single submitter. Criteria: ACMG Guidelines, 2015. Collection method: clinical testing. Allele origin: germline.